The following is an entry in ClinVar:

ClinVar aggregate classification (germline): Uncertain significance (1 of 4 stars; one submission).

Conditions:
Hereditary breast ovarian cancer syndrome. Also called: Hereditary breast and ovarian cancer syndrome; Hereditary breast and ovarian cancer syndrome (HBOC); Hereditary breast and/or ovarian cancer syndrome; Breast and ovarian cancer; Hereditary breast and ovarian cancer; BRCA1- and BRCA2-Associated Hereditary Breast and Ovarian Cancer. Identifiers: Orphanet 145, MedGen C0677776, MeSH D061325, MONDO:0003582. Disease mechanism: loss of function.

Submission:

Labcorp Genetics (formerly Invitae), Labcorp
Classification: Uncertain significance for Hereditary breast ovarian cancer syndrome. Last evaluated: 2023-12-10. Review status: criteria provided, single submitter. Criteria: Invitae Variant Classification Sherloc (09022015). Collection method: clinical testing. Allele origin: germline.
Comment: This sequence change replaces serine, which is neutral and polar, with cysteine, which is neutral and slightly polar, at codon 671 of the BRCA2 protein (p.Ser671Cys). This variant is not present in population databases (gnomAD no frequency). This variant has not been reported in the literature in individuals affected with BRCA2-related conditions. Advanced modeling of protein sequence and biophysical properties (such as structural, functional, and spatial information, amino acid conservation, physicochemical variation, residue mobility, and thermodynamic stability) performed at Invitae indicates that this missense variant is not expected to disrupt BRCA2 protein function with a negative predictive value of 95%. In summary, the available evidence is currently insufficient to determine the role of this variant in disease. Therefore, it has been classified as a Variant of Uncertain Significance.

NM_000059.4(BRCA2):c.2012C>G (p.Ser671Cys)

Gene: BRCA2 (BRCA2 DNA repair associated; plus strand). Cytogenetic location: 13q13.1.
Variant type: single nucleotide variant.
Coding change: c.2012C>G on transcript NM_000059.4 (MANE Select); coding-DNA position 2012, C replaced by G.
Protein change: p.Ser671Cys; replaces serine 671 with cysteine.
Molecular consequence: missense variant. On other transcripts: non-coding transcript variant (1), intron variant (2).
Genome position (GRCh38, 1-based): chr13:32,336,367, C>G. VCF-style: chr13-32336367-C-G. GRCh37 (hg19) VCF-style: chr13-32910504-C-G.
Other names: c.2012C>G, p.Ser671Cys (NM_001406719.1, NM_001406720.1); c.1909+2980C>G (NM_001406721.1); c.424+5337C>G (NM_001406722.1); short protein forms S671C.
Identifiers: ClinVar variation 2788442 (VCV002788442.3), dbSNP rs1555282398, ClinGen allele CA387768770.